The following is an entry in ClinVar:

ClinVar aggregate classification (germline): Uncertain significance (1 of 4 stars; one submission).

Conditions:
Hereditary cancer-predisposing syndrome. Also called: Tumor predisposition; Neoplastic Syndromes, Hereditary; Hereditary neoplastic syndrome; Hereditary Cancer Syndrome. Identifiers: Orphanet 140162, MedGen C0027672, MeSH D009386, MONDO:0015356.

Submission:

Ambry Genetics
Classification: Uncertain significance for Hereditary cancer-predisposing syndrome. Last evaluated: 2025-08-19. Review status: criteria provided, single submitter. Criteria: Ambry Variant Classification Scheme 2023. Collection method: clinical testing. Allele origin: germline.
Comment: The p.S627I variant (also known as c.1880G>T), located in coding exon 13 of the MSH3 gene, results from a G to T substitution at nucleotide position 1880. The serine at codon 627 is replaced by isoleucine, an amino acid with dissimilar properties. This amino acid position is conserved. In addition, this alteration is predicted to be deleterious by in silico analysis. Based on the available evidence, the clinical significance of this variant remains unclear.

NM_002439.5(MSH3):c.1880G>T (p.Ser627Ile)

Gene: MSH3 (mutS homolog 3; plus strand). Cytogenetic location: 5q14.1.
Variant type: single nucleotide variant.
Coding change: c.1880G>T on transcript NM_002439.5 (MANE Select); coding-DNA position 1880, G replaced by T.
Protein change: p.Ser627Ile; replaces serine 627 with isoleucine.
Molecular consequence: missense variant.
Genome position (GRCh38, 1-based): chr5:80,761,662, G>T. VCF-style: chr5-80761662-G-T. GRCh37 (hg19) VCF-style: chr5-80057481-G-T.
Other names: short protein forms S627I.
Identifiers: ClinVar variation 4111111 (VCV004111111.1).